The following is an entry in ClinVar:

NM_020366.4(RPGRIP1):c.3793_3794insGAAA (p.Val1265fs)

Gene: RPGRIP1 (RPGR interacting protein 1; plus strand). Cytogenetic location: 14q11.2.
Variant type: Insertion.
Coding change: c.3793_3794insGAAA on transcript NM_020366.4 (MANE Select); coding-DNA positions 3793 to 3794, GAAA inserted.
Protein change: p.Val1265fs; shifts the reading frame from valine 1265.
Molecular consequence: frameshift variant.
Genome position: GRCh38 VCF-style: chr14-21351148-G-GGAAA. GRCh37 (hg19) VCF-style: chr14-21819307-G-GGAAA.
Other names: c.1771_1772insGAAA, p.Val591fs (NM_001377523.1, NM_001377950.1); c.2719_2720insGAAA, p.Val907fs (NM_001377948.1); c.1879_1880insGAAA, p.Val627fs (NM_001377949.1); c.1276_1277insGAAA, p.Val426fs (NM_001377951.1); short protein forms V1265fs, V426fs, V591fs, V627fs, V907fs.
Identifiers: ClinVar variation 814009 (VCV000814009.9), dbSNP rs1468976582, ClinGen allele CA612379377.

ClinVar aggregate classification (germline): Conflicting classifications of pathogenicity. Review status: criteria provided, conflicting classifications (1 of 4 stars). 3 submissions from 3 submitters: Likely pathogenic (1); Uncertain significance (2). Last evaluated 2025-10-13.

Conditions:
Leber congenital amaurosis 6 (LCA6). Identifiers: Orphanet 65, MedGen C1854260, MONDO:0013446, OMIM 613826.
Cone-rod dystrophy 13 (CORD13). Identifiers: Orphanet 1872, MedGen C2750720, MONDO:0011987, OMIM 608194.

Allele frequency attached by ClinVar (database versions not stated): gnomAD exomes below 0.00001; gnomAD 0.00001.

Submissions (3):

Labcorp Genetics (formerly Invitae), Labcorp
Classification: Likely pathogenic for Leber congenital amaurosis 6; Cone-rod dystrophy 13. Last evaluated: 2025-10-13. Review status: criteria provided, single submitter. Criteria: Invitae Variant Classification Sherloc (09022015). Collection method: clinical testing. Allele origin: germline.
Comment: This sequence change creates a premature translational stop signal (p.Val1265Glyfs*19) in the RPGRIP1 gene. While this is not anticipated to result in nonsense mediated decay, it is expected to disrupt the last 22 amino acid(s) of the RPGRIP1 protein. This variant is present in population databases (no rsID available, gnomAD 0.0009%). This premature translational stop signal has been observed in individuals with clinical features of Leber congenital amaurosis (PMID: 25412400, 30072743; internal data). ClinVar contains an entry for this variant (Variation ID: 814009). Algorithms developed to predict the effect of sequence changes on RNA splicing suggest that this variant may disrupt the consensus splice site. In summary, the currently available evidence indicates that the variant is pathogenic, but additional data are needed to prove that conclusively. Therefore, this variant has been classified as Likely Pathogenic.

Blueprint Genetics
Classification: Uncertain significance. Last evaluated: 2024-02-20. Review status: criteria provided, single submitter. Criteria: ACMG Guidelines, 2015. Collection method: clinical testing. Allele origin: germline.

Broad Center for Mendelian Genomics, Broad Institute of MIT and Harvard
Classification: Uncertain significance for Leber congenital amaurosis 6. Last evaluated: 2018-12-03. Review status: criteria provided, single submitter. Criteria: ACMG Guidelines, 2015. Collection method: research. Allele origin: germline. Inheritance: Autosomal recessive inheritance. Affected: yes.
Comment: The presence of this variant in combination with an exon duplication variant and in an individual with Leber congenital amaurosis increases the likelihood that the p.Val1265GlyfsTer19 variant is pathogenic. The p.Val1265GlyfsTer19 variant in RPGRIP1 has not been previously reported in individuals with Leber congenital amaurosis but has been identified in 0.0009014% (1/110936) of European (non-Finnish) chromosomes in the Genome Aggregation Database (gnomAD). Although this variant has been seen in the general population, the frequency is low enough to be consistent with a recessive carrier frequency. This variant is predicted to cause a frameshift, which alters the protein's amino acid sequence beginning at position 1265 and leads to a premature termination codon 19 amino acids downstream. This termination codon occurs within the last exon and is more likely to escape nonsense mediated decay (NMD) and result in a truncated protein. Greater than 10% of pathogenic variants reported in association with Leber Congenital Amaurosis in ClinVar are loss of function variants, including at least three pathogenic loss of function variants across multiple exons. Loss of function of the RPGRIP1 gene is an established disease mechanism in autosomal recessive Leber Congenital Amarosis. In summary, while there is some suspicion for a pathogenic role, the clinical significance of this variant is uncertain. ACMG/AMP Criteria applied: PM2, PVS1_Moderate, PM3_Supporting (Richards 2015).

Literature cited by the submitters: PubMed 25412400 (cited by Labcorp Genetics (formerly Invitae), Labcorp); PubMed 30072743 (cited by Labcorp Genetics (formerly Invitae), Labcorp and Broad Center for Mendelian Genomics, Broad Institute of MIT and Harvard).